The following is an entry in ClinVar:

ClinVar aggregate classification (germline): Uncertain significance (1 of 4 stars; one submission).

Allele frequency attached by ClinVar (database versions not stated): ExAC 0.00001; gnomAD 0.00001; TOPMed 0.00002.
gnomAD v4.1: 8 of 1,613,958 alleles (0.0005%); highest among the groups gnomAD compares: Admixed American, 0.0017%; no homozygotes.

Submission:

Labcorp Genetics (formerly Invitae), Labcorp
Classification: Uncertain significance. Last evaluated: 2023-11-24. Review status: criteria provided, single submitter. Criteria: Invitae Variant Classification Sherloc (09022015). Collection method: clinical testing. Allele origin: germline.
Comment: This sequence change replaces proline, which is neutral and non-polar, with leucine, which is neutral and non-polar, at codon 1460 of the ITSN1 protein (p.Pro1460Leu). This variant is present in population databases (rs768735426, gnomAD 0.004%). This variant has not been reported in the literature in individuals affected with ITSN1-related conditions. An algorithm developed to predict the effect of missense changes on protein structure and function (PolyPhen-2) suggests that this variant is likely to be disruptive. In summary, the available evidence is currently insufficient to determine the role of this variant in disease. Therefore, it has been classified as a Variant of Uncertain Significance.

NM_003024.3(ITSN1):c.4379C>T (p.Pro1460Leu)

Gene: ITSN1 (intersectin 1; plus strand). Cytogenetic location: 21q22.11.
Variant type: single nucleotide variant.
Coding change: c.4379C>T on transcript NM_003024.3 (MANE Select); coding-DNA position 4379, C replaced by T.
Protein change: p.Pro1460Leu; replaces proline 1460 with leucine.
Molecular consequence: missense variant.
Genome position (GRCh38, 1-based): chr21:33,882,280, C>T. VCF-style: chr21-33882280-C-T. GRCh37 (hg19) VCF-style: chr21-35254584-C-T.
Other names: c.4364C>T, p.Pro1455Leu (NM_001331010.2); short protein forms P1460L, P1455L.
Identifiers: ClinVar variation 2697723 (VCV002697723.3), dbSNP rs768735426, ClinGen allele CA10012421.